The following is an entry in ClinVar:

NM_005654.6(NR2F1):c.463+5A>G

Genes: NR2F1-AS1 (NR2F1 antisense RNA 1; minus strand), NR2F1 (nuclear receptor subfamily 2 group F member 1; plus strand). Cytogenetic location: 5q15.
Variant type: single nucleotide variant.
Coding change: c.463+5A>G on transcript NM_005654.6 (MANE Select); 5 bases into the intron after coding-DNA position 463, A replaced by G.
Molecular consequence: intron variant.
Genome position (GRCh38, 1-based): chr5:93,585,491, A>G. VCF-style: chr5-93585491-A-G. GRCh37 (hg19) VCF-style: chr5-92921197-A-G.
Other names: c.463+5A>G (NM_005654.5).
Identifiers: ClinVar variation 382679 (VCV000382679.5), dbSNP rs747394434, ClinGen allele CA16604949.

ClinVar aggregate classification (germline): Likely benign. Review status: criteria provided, single submitter (1 of 4 stars). 2 submissions from 2 submitters: Likely benign (1). 1 of the submissions does not count toward it. Last evaluated 2018-10-12.

Conditions:
NR2F1-related disorder. Also called: NR2F1-related condition.

Allele frequency attached by ClinVar (database versions not stated): gnomAD 0.00001; TOPMed 0.00001.
gnomAD v4.1: 3 of 1,605,018 alleles (0.00019%); highest among the groups gnomAD compares: African/African-American, 0.004%; no homozygotes.

Submissions (2):

GeneDx
Classification: Likely benign. Last evaluated: 2018-10-12. Review status: criteria provided, single submitter. Criteria: GeneDx Variant Classification Process June 2021. Collection method: clinical testing. Allele origin: germline. Affected: yes.

PreventionGenetics, part of Exact Sciences
Classification: Likely benign for NR2F1-related condition. Last evaluated: 2020-07-22. Review status: no assertion criteria provided. Collection method: clinical testing. Allele origin: germline. Not counted in ClinVar's aggregate classification.
Comment: This variant is classified as likely benign based on ACMG/AMP sequence variant interpretation guidelines (Richards et al. 2015 PMID: 25741868, with internal and published modifications).